The following is an entry in ClinVar:

ClinVar aggregate classification (germline): Uncertain significance. Review status: criteria provided, multiple submitters, no conflicts (2 of 4 stars). 2 submissions from 2 submitters: Uncertain significance (2). Last evaluated 2025-07-23.

Conditions:
Hereditary cancer-predisposing syndrome. Also called: Neoplastic Syndromes, Hereditary; Tumor predisposition; Hereditary Cancer Syndrome; Hereditary neoplastic syndrome. Identifiers: Orphanet 140162, MedGen C0027672, MeSH D009386, MONDO:0015356.

Submissions (2):

Ambry Genetics
Classification: Uncertain significance for Hereditary cancer-predisposing syndrome. Last evaluated: 2025-07-23. Review status: criteria provided, single submitter. Criteria: Ambry Variant Classification Scheme 2023. Collection method: clinical testing. Allele origin: germline.
Comment: The c.802-7_818dup24 variant results from a duplication of 24 nucleotides between positions c.802-7 and c.818 and involves the canonical splice acceptor site before coding exon 9 of the POLE gene. In silico splice site analysis predicts that this alteration may result in the creation or strengthening of a novel splice acceptor site; however, the exact impact of this duplication on POLE splicing and function is currently unknown. The canonical splice acceptor site is highly conserved in available vertebrate species. Based on the available evidence, the clinical significance of this variant remains unclear.

Labcorp Genetics (formerly Invitae), Labcorp
Classification: Uncertain significance. Last evaluated: 2025-07-18. Review status: criteria provided, single submitter. Criteria: Invitae Variant Classification Sherloc (09022015). Collection method: clinical testing. Allele origin: germline.
Comment: This sequence change falls in intron 8 of the POLE gene. It does not directly change the encoded amino acid sequence of the POLE protein. This variant is not present in population databases (gnomAD no frequency). This variant has not been reported in the literature in individuals affected with POLE-related conditions. This variant is also known as c.802-7_818dup (p.Ala273_Phe274ins8). ClinVar contains an entry for this variant (Variation ID: 2816062). In summary, the available evidence is currently insufficient to determine the role of this variant in disease. Therefore, it has been classified as a Variant of Uncertain Significance.

NM_006231.4(POLE):c.802-7_818dup

Gene: POLE (DNA polymerase epsilon, catalytic subunit; minus strand). Cytogenetic location: 12q24.33.
Variant type: Duplication.
Coding change: c.802-7_818dup on transcript NM_006231.4 (MANE Select); 7 bases into the intron before coding-DNA position 802 through coding-DNA position 818, 24 bases duplicated (CCCACAGGACCCTGTGGTTTTGGC).
Molecular consequence: splice acceptor variant.
Genome position (GRCh38, 1-based): chr12:132,676,637-132,676,660, GCCAAAACCACAGGGTCCTGTGGG duplicated on the plus strand (CCCACAGGACCCTGTGGTTTTGGC on the coding strand, the reverse complement: POLE is on the minus strand); duplicating any 24 consecutive bases within chr12:132,676,637-132,676,661 gives the same sequence; the c. name uses the placement nearest the transcript's 3' end. VCF-style (leftmost placement, unchanged base first): chr12-132676636-T-TGCCAAAACCACAGGGTCCTGTGGG. GRCh37 (hg19) VCF-style: chr12-133253222-T-TGCCAAAACCACAGGGTCCTGTGGG.
Other names: c.802-7_818dupCCCACAGGACCCTGTGGTTTTGGC (NM_006231.2).
Identifiers: ClinVar variation 2816062 (VCV002816062.4), dbSNP rs2542172415, ClinGen allele CA2739277385.